The following is an entry in ClinVar:

ClinVar aggregate classification (germline): Uncertain significance. Review status: criteria provided, multiple submitters, no conflicts (2 of 4 stars). 2 submissions from 2 submitters: Uncertain significance (2). Last evaluated 2024-05-16.

gnomAD v4.1: 11 of 1,612,748 alleles (0.00068%); highest among the groups gnomAD compares: Non-Finnish European, 0.00093%; no homozygotes.

Submissions (2):

Labcorp Genetics (formerly Invitae), Labcorp
Classification: Uncertain significance. Last evaluated: 2024-05-16. Review status: criteria provided, single submitter. Criteria: Invitae Variant Classification Sherloc (09022015). Collection method: clinical testing. Allele origin: germline.
Comment: This sequence change replaces glutamine, which is neutral and polar, with arginine, which is basic and polar, at codon 47 of the CLPX protein (p.Gln47Arg). This variant is not present in population databases (gnomAD no frequency). This variant has not been reported in the literature in individuals affected with CLPX-related conditions. An algorithm developed to predict the effect of missense changes on protein structure and function (PolyPhen-2) suggests that this variant is likely to be tolerated. In summary, the available evidence is currently insufficient to determine the role of this variant in disease. Therefore, it has been classified as a Variant of Uncertain Significance.

Ambry Genetics
Classification: Uncertain significance. Last evaluated: 2024-05-13. Review status: criteria provided, single submitter. Criteria: Ambry Variant Classification Scheme 2023. Collection method: clinical testing. Allele origin: germline.

NM_006660.5(CLPX):c.140A>G (p.Gln47Arg)

Gene: CLPX (caseinolytic mitochondrial matrix peptidase chaperone subunit X; minus strand). Cytogenetic location: 15q22.31.
Variant type: single nucleotide variant.
Coding change: c.140A>G on transcript NM_006660.5 (MANE Select); coding-DNA position 140, A replaced by G.
Protein change: p.Gln47Arg; replaces glutamine 47 with arginine.
Molecular consequence: missense variant. On other transcripts: non-coding transcript variant (1).
Genome position (GRCh38, 1-based): chr15:65,180,144, T>C on the plus strand (A>G on the coding strand, the complement: CLPX is on the minus strand). VCF-style: chr15-65180144-T-C. GRCh37 (hg19) VCF-style: chr15-65472482-T-C.
Other names: short protein forms Q47R.
Identifiers: ClinVar variation 3267859 (VCV003267859.3).